The following is an entry in ClinVar:

NM_001754.5(RUNX1):c.140T>A (p.Leu47Gln)

Gene: RUNX1 (RUNX family transcription factor 1; minus strand). Cytogenetic location: 21q22.12.
Variant type: single nucleotide variant.
Coding change: c.140T>A on transcript NM_001754.5 (MANE Select); coding-DNA position 140, T replaced by A.
Protein change: p.Leu47Gln; replaces leucine 47 with glutamine.
Molecular consequence: missense variant.
Genome position (GRCh38, 1-based): chr21:34,887,054, A>T on the plus strand (T>A on the coding strand, the complement: RUNX1 is on the minus strand). VCF-style: chr21-34887054-A-T. GRCh37 (hg19) VCF-style: chr21-36259351-A-T.
Other names: NM_001754.5(RUNX1):c.140T>A; p.Leu47Gln; c.59T>A, p.Leu20Gln (NM_001001890.3, NM_001122607.2); short protein forms L20Q, L47Q.
Identifiers: ClinVar variation 943347 (VCV000943347.12), dbSNP rs770530237, ClinGen allele CA10014588.

ClinVar aggregate classification (germline): Uncertain significance. Review status: reviewed by expert panel (3 of 4 stars). 3 submissions from 3 submitters: Uncertain significance (1). 2 of the submissions do not count toward it. Last evaluated 2024-08-12.

Conditions:
Hereditary thrombocytopenia and hematologic cancer predisposition syndrome. Identifiers: Orphanet 71290, MedGen CN281654, MONDO:0011071.
Inborn genetic diseases. Identifiers: MedGen C0950123, MeSH D030342.
Hereditary thrombocytopenia and hematological cancer predisposition syndrome associated with RUNX1. Also called: PLATELET DISORDER, ASPIRIN-LIKE; Familial Platelet Disorder with Propensity to Acute Myelogenous Leukemia; Familial thrombocytopenia with propensity to acute myelogenous leukemia; RUNX1 Familial Platelet Disorder with Associated Myeloid Malignancies. Identifiers: Orphanet 71290, MedGen C1832388, MeSH C563324, MONDO:0100083, OMIM 601399.

Allele frequency attached by ClinVar (database versions not stated): gnomAD exomes below 0.00001.
gnomAD v4.1: 6 of 1,600,458 alleles (0.00037%); highest among the groups gnomAD compares: Non-Finnish European, 0.00042%; no homozygotes.

Submissions (3):

ClinGen Myeloid Malignancy Variant Curation Expert Panel
Classification: Uncertain significance for Hereditary thrombocytopenia and hematologic cancer predisposition syndrome. Last evaluated: 2024-08-12. Review status: reviewed by expert panel. Criteria: ClinGen MyeloMalig ACMG Specifications v2. Collection method: curation. Allele origin: germline. Inheritance: Autosomal dominant inheritance.
Comment: NM_001754.5(RUNX1):c.140T>A (p.Leu47Gln) is a missense variant which does not meet any ACMG/AMP criteria. In summary, the clinical significance of this variant is uncertain. ACMG/AMP criteria applied, as specified by the Myeloid Malignancy Variant Curation Expert Panel for RUNX1: None.

Ambry Genetics
Classification: Uncertain significance for Inborn genetic diseases. Last evaluated: 2025-11-11. Review status: criteria provided, single submitter. Criteria: Ambry Variant Classification Scheme 2023. Collection method: clinical testing. Allele origin: germline. Not counted in ClinVar's aggregate classification.
Comment: The p.L47Q variant (also known as c.140T>A), located in coding exon 3 of the RUNX1 gene, results from a T to A substitution at nucleotide position 140. The leucine at codon 47 is replaced by glutamine, an amino acid with dissimilar properties. This amino acid position is conserved. In addition, the in silico prediction for this alteration is inconclusive. Based on the available evidence, the clinical significance of this variant remains unclear.

Labcorp Genetics (formerly Invitae), Labcorp
Classification: Uncertain significance for Hereditary thrombocytopenia and hematological cancer predisposition syndrome associated with RUNX1. Last evaluated: 2022-07-12. Review status: criteria provided, single submitter. Criteria: Invitae Variant Classification Sherloc (09022015). Collection method: clinical testing. Allele origin: germline. Not counted in ClinVar's aggregate classification.
Comment: Algorithms developed to predict the effect of missense changes on protein structure and function are either unavailable or do not agree on the potential impact of this missense change (SIFT: "Deleterious"; PolyPhen-2: "Probably Damaging"; Align-GVGD: "Class C0"). ClinVar contains an entry for this variant (Variation ID: 943347). This variant has not been reported in the literature in individuals affected with RUNX1-related conditions. This variant is present in population databases (rs770530237, gnomAD 0.0009%). This sequence change replaces leucine, which is neutral and non-polar, with glutamine, which is neutral and polar, at codon 47 of the RUNX1 protein (p.Leu47Gln). Algorithms developed to predict the effect of sequence changes on RNA splicing suggest that this variant may create or strengthen a splice site. In summary, the available evidence is currently insufficient to determine the role of this variant in disease. Therefore, it has been classified as a Variant of Uncertain Significance.